The following is an entry in ClinVar:

ClinVar aggregate classification (germline): Benign (1 of 4 stars; one submission).

Allele frequency attached by ClinVar (database versions not stated): gnomAD 0.41628 and 0.42019; 1000 Genomes Project 0.54493.
gnomAD v4.1: 281,367 of 720,946 alleles (39%); highest among the groups gnomAD compares: East Asian, 86%; 61,801 homozygotes.

Submission:

GeneDx
Classification: Benign. Last evaluated: 2018-06-16. Review status: criteria provided, single submitter. Criteria: GeneDx Variant Classification (06012015). Collection method: clinical testing. Allele origin: germline. Affected: yes.
Comment: This variant is considered likely benign or benign based on one or more of the following criteria: it is a conservative change, it occurs at a poorly conserved position in the protein, it is predicted to be benign by multiple in silico algorithms, and/or has population frequency not consistent with disease.

NM_017617.5(NOTCH1):c.1555+102C>T

Gene: NOTCH1 (notch receptor 1; minus strand). Cytogenetic location: 9q34.3.
Variant type: single nucleotide variant.
Coding change: c.1555+102C>T on transcript NM_017617.5 (MANE Select); 102 bases into the intron after coding-DNA position 1555, C replaced by T.
Molecular consequence: intron variant.
Genome position (GRCh38, 1-based): chr9:136,517,170, G>A on the plus strand (C>T on the coding strand, the complement: NOTCH1 is on the minus strand). VCF-style: chr9-136517170-G-A. GRCh37 (hg19) VCF-style: chr9-139411622-G-A.
Identifiers: ClinVar variation 677848 (VCV000677848.1), dbSNP rs10781498, ClinGen allele CA13060716.
Genomic context (GRCh38, chr9:136,517,170, plus strand): 5'-GGGGTGCGGACGGCCCGAGGGCAGGGGGTGGGGGCGGCCCTCACCCCTCAGGAGGCCGGG[G>A]TGCAGATGGCCCGGGGGCAGGGGACACAACCCACGCCCAGGCACCCCTCAGGAGGCCAGG-3'